The following is an entry in ClinVar:

NM_002473.6(MYH9):c.1864G>A (p.Asp622Asn)

Gene: MYH9 (myosin heavy chain 9; minus strand). Cytogenetic location: 22q12.3.
Variant type: single nucleotide variant.
Coding change: c.1864G>A on transcript NM_002473.6 (MANE Select); coding-DNA position 1864, G replaced by A.
Protein change: p.Asp622Asn; replaces aspartic acid 622 with asparagine.
Molecular consequence: missense variant.
Genome position (GRCh38, 1-based): chr22:36,306,587, C>T on the plus strand (G>A on the coding strand, the complement: MYH9 is on the minus strand). VCF-style: chr22-36306587-C-T. GRCh37 (hg19) VCF-style: chr22-36702633-C-T.
Other names: short protein forms D622N.
Identifiers: ClinVar variation 2772113 (VCV002772113.3), dbSNP rs2517977953, ClinGen allele CA411398064.

ClinVar aggregate classification (germline): Uncertain significance (1 of 4 stars; one submission).

Submission:

Labcorp Genetics (formerly Invitae), Labcorp
Classification: Uncertain significance. Last evaluated: 2023-10-27. Review status: criteria provided, single submitter. Criteria: Invitae Variant Classification Sherloc (09022015). Collection method: clinical testing. Allele origin: germline.
Comment: This sequence change replaces aspartic acid, which is acidic and polar, with asparagine, which is neutral and polar, at codon 622 of the MYH9 protein (p.Asp622Asn). This variant is not present in population databases (gnomAD no frequency). This variant has not been reported in the literature in individuals affected with MYH9-related conditions. Advanced modeling of protein sequence and biophysical properties (such as structural, functional, and spatial information, amino acid conservation, physicochemical variation, residue mobility, and thermodynamic stability) performed at Invitae indicates that this missense variant is not expected to disrupt MYH9 protein function with a negative predictive value of 95%. In summary, the available evidence is currently insufficient to determine the role of this variant in disease. Therefore, it has been classified as a Variant of Uncertain Significance.